The following is an entry in ClinVar:

NM_181552.4(CUX1):c.262G>A (p.Val88Ile)

Gene: CUX1 (cut like homeobox 1; plus strand). Cytogenetic location: 7q22.1.
Variant type: single nucleotide variant.
Coding change: c.262G>A on transcript NM_181552.4 (MANE Select); coding-DNA position 262, G replaced by A.
Protein change: p.Val88Ile; replaces valine 88 with isoleucine.
Molecular consequence: missense variant.
Genome position (GRCh38, 1-based): chr7:102,070,411, G>A. VCF-style: chr7-102070411-G-A. GRCh37 (hg19) VCF-style: chr7-101713691-G-A.
Other names: c.295G>A, p.Val99Ile (NM_001202543.2, NM_001202545.3, NM_001913.5 and 1 more transcripts); c.247G>A, p.Val83Ile (NM_001202544.3); c.184G>A, p.Val62Ile (NM_001202546.3); short protein forms V62I, V88I, V83I, V99I.
Identifiers: ClinVar variation 709065 (VCV000709065.37), dbSNP rs148322402, ClinGen allele CA4410396.
Genomic context (GRCh38, chr7:102,070,411, plus strand): 5'-AGTAAAAGAAGCAAGGAAGCTGAAGCAGCTTTCTTGAATGTCTACAAAAGATTGATTGAC[G>A]TCCCAGGTAAGCCCCGGCAGTAATGGCCCACCAGTGGGGGGCGTTGTGTCTGGTGAGTCG-3'
Protein context (NP_853530.2, residues 78-98): FLNVYKRLID[Val88Ile]PDPVPALDLG

ClinVar aggregate classification (germline): Likely benign. Review status: criteria provided, multiple submitters, no conflicts (2 of 4 stars). 4 submissions from 4 submitters: Likely benign (3). 1 of the submissions does not count toward it. Last evaluated 2026-01-01.

Conditions:
CUX1-related disorder. Also called: CUX1-related condition.

Allele frequency attached by ClinVar (database versions not stated): 1000 Genomes Project 0.00140; 1000 Genomes Project 30x 0.00141; ExAC 0.00208; gnomAD 0.00213; TOPMed 0.00239; ESP Exome Variant Server 0.00354.

Submissions (4):

CeGaT Center for Human Genetics Tuebingen
Classification: Likely benign. Last evaluated: 2026-01-01. Review status: criteria provided, single submitter. Criteria: CeGaT Center For Human Genetics Tuebingen Variant Classification Criteria Version 2. Collection method: clinical testing. Allele origin: germline. Affected: yes. Observed: 16 variant alleles.
Comment: CUX1: BS2

Blueprint Genetics
Classification: Likely benign. Last evaluated: 2024-11-25. Review status: criteria provided, single submitter. Criteria: ACMG Guidelines, 2015. Collection method: clinical testing. Allele origin: germline.

Labcorp Genetics (formerly Invitae), Labcorp
Classification: Likely benign. Last evaluated: 2019-12-31. Review status: criteria provided, single submitter. Criteria: Invitae Variant Classification Sherloc (09022015). Collection method: clinical testing. Allele origin: germline.

PreventionGenetics, part of Exact Sciences
Classification: Likely benign for CUX1-related condition. Last evaluated: 2020-08-10. Review status: no assertion criteria provided. Collection method: clinical testing. Allele origin: germline. Not counted in ClinVar's aggregate classification.
Comment: This variant is classified as likely benign based on ACMG/AMP sequence variant interpretation guidelines (Richards et al. 2015 PMID: 25741868, with internal and published modifications).